The following is an entry in ClinVar:

NM_016203.4(PRKAG2):c.475C>T (p.Leu159Phe)

Gene: PRKAG2 (protein kinase AMP-activated non-catalytic subunit gamma 2; minus strand). Cytogenetic location: 7q36.1.
Variant type: single nucleotide variant.
Coding change: c.475C>T on transcript NM_016203.4 (MANE Select); coding-DNA position 475, C replaced by T.
Protein change: p.Leu159Phe; replaces leucine 159 with phenylalanine.
Molecular consequence: missense variant.
Genome position (GRCh38, 1-based): chr7:151,675,629, G>A on the plus strand (C>T on the coding strand, the complement: PRKAG2 is on the minus strand). VCF-style: chr7-151675629-G-A. GRCh37 (hg19) VCF-style: chr7-151372715-G-A.
Other names: c.343C>T, p.Leu115Phe (NM_001040633.2); c.103C>T, p.Leu35Phe (NM_001304527.2, NM_001363698.2); c.475C>T (NM_016203.3); short protein forms L35F, L159F, L115F.
Identifiers: ClinVar variation 923392 (VCV000923392.15), dbSNP rs1832795622, ClinGen allele CA370188454.
Genomic context (GRCh38, chr7:151,675,629, plus strand): 5'-ATTCCAGGGGAAACGTGTGCTGCTTGGTCACTTGGGTGGGTGTTGACGGAGAGGAGGAGA[G>A]GCCGGAGGCTGCAGAAGAAACACCAAGGACGGTCAGAGGTCCGGCTTCCAGGAAGGGACG-3'
Protein context (NP_057287.2, residues 149-169): FFSRSRKTSG[Leu159Phe]SSSPSTPTQV

ClinVar aggregate classification (germline): Uncertain significance. Review status: criteria provided, multiple submitters, no conflicts (2 of 4 stars). 4 submissions from 4 submitters: Uncertain significance (4). Last evaluated 2025-11-09.

Conditions:
Cardiovascular phenotype. Identifiers: MedGen CN230736.
Cardiomyopathy (CMYO). Also called: Cardiomyopathies. Identifiers: Orphanet 167848, MedGen C0878544, MONDO:0004994, HP:0001638. Inheritance: Various modes of inheritance.
Lethal congenital glycogen storage disease of heart. Also called: GLYCOGEN STORAGE DISEASE OF HEART; PHOSPHORYLASE KINASE DEFICIENCY OF HEART. Identifiers: Orphanet 439854, MedGen C1849813, MONDO:0009867, OMIM 261740.
Hypertrophic cardiomyopathy. Also called: HYPERTROPHIC MYOCARDIOPATHY. Identifiers: Orphanet 217569, MedGen C0007194, MeSH D002312, MONDO:0005045, HP:0001639.

Allele frequency attached by ClinVar (database versions not stated): gnomAD exomes below 0.00001; gnomAD 0.00001; TOPMed 0.00001.
gnomAD v4.1: 5 of 1,613,198 alleles (0.00031%); highest among the groups gnomAD compares: Non-Finnish European, 0.00042%; no homozygotes.

Submissions (4):

Labcorp Genetics (formerly Invitae), Labcorp
Classification: Uncertain significance for Lethal congenital glycogen storage disease of heart. Last evaluated: 2025-11-09. Review status: criteria provided, single submitter. Criteria: Invitae Variant Classification Sherloc (09022015). Collection method: clinical testing. Allele origin: germline.
Comment: This sequence change replaces leucine, which is neutral and non-polar, with phenylalanine, which is neutral and non-polar, at codon 159 of the PRKAG2 protein (p.Leu159Phe). This variant is not present in population databases (gnomAD no frequency). This variant has not been reported in the literature in individuals affected with PRKAG2-related conditions. ClinVar contains an entry for this variant (Variation ID: 923392). Invitae Evidence Modeling of protein sequence and biophysical properties (such as structural, functional, and spatial information, amino acid conservation, physicochemical variation, residue mobility, and thermodynamic stability) indicates that this missense variant is not expected to disrupt PRKAG2 protein function with a negative predictive value of 95%. In summary, the available evidence is currently insufficient to determine the role of this variant in disease. Therefore, it has been classified as a Variant of Uncertain Significance.

Ambry Genetics
Classification: Uncertain significance for Cardiovascular phenotype. Last evaluated: 2025-08-13. Review status: criteria provided, single submitter. Criteria: Ambry Variant Classification Scheme 2023. Collection method: clinical testing. Allele origin: germline.

Color Diagnostics, LLC DBA Color Health
Classification: Uncertain significance for Cardiomyopathy. Last evaluated: 2024-03-06. Review status: criteria provided, single submitter. Criteria: ACMG Guidelines, 2015. Collection method: clinical testing. Allele origin: germline.
Comment: This missense variant replaces leucine with phenylalanine at codon 159 of the PRKAG2 protein. Computational prediction tools indicate that this variant has a neutral impact on protein structure and function. To our knowledge, functional studies have not been reported for this variant. This variant has not been reported in individuals affected with PRKAG2-related disorders in the literature. This variant has not been identified in the general population by the Genome Aggregation Database (gnomAD). The available evidence is insufficient to determine the role of this variant in disease conclusively. Therefore, this variant is classified as a Variant of Uncertain Significance.

All of Us Research Program, National Institutes of Health
Classification: Uncertain significance for Hypertrophic cardiomyopathy. Last evaluated: 2024-01-08. Review status: criteria provided, single submitter. Criteria: ACMG Guidelines, 2015. Collection method: clinical testing. Allele origin: germline. Inheritance: Autosomal dominant inheritance. Observed: 2 variant alleles, 2 heterozygotes.
Comment: This missense variant replaces leucine with phenylalanine at codon 159 of the PRKAG2 protein. Computational prediction suggests that this variant may not impact protein structure and function (internally defined REVEL score threshold <= 0.5, PMID: 27666373). To our knowledge, functional studies have not been reported for this variant. This variant has not been reported in individuals affected with cardiovascular disorders in the literature. This variant has not been identified in the general population by the Genome Aggregation Database (gnomAD). The available evidence is insufficient to determine the role of this variant in disease conclusively. Therefore, this variant is classified as a Variant of Uncertain Significance.

This study involves interpretation of variants in research participants for the purpose of population health screening. Participant phenotype was not available at the time of variant classification. Additional details can be found in publication PMID: 35346344, PMCID: PMC8962531